The following is an entry in ClinVar:

ClinVar aggregate classification (germline): Uncertain significance (1 of 4 stars; one submission).

Conditions:
Hajdu-Cheney syndrome (HJCYS). Also called: SERPENTINE FIBULA-POLYCYSTIC KIDNEY SYNDROME; Acroosteolysis dominant type; ACROOSTEOLYSIS WITH OSTEOPOROSIS AND CHANGES IN SKULL AND MANDIBLE. Identifiers: Orphanet 955, MedGen C0917715, MONDO:0007057, OMIM 102500.

Allele frequency attached by ClinVar (database versions not stated): gnomAD exomes below 0.00001.
gnomAD v4.1: 2 of 1,614,194 alleles (0.00012%); highest among the groups gnomAD compares: Non-Finnish European, 0.000085%; no homozygotes.

Submission:

Labcorp Genetics (formerly Invitae), Labcorp
Classification: Uncertain significance for Hajdu-Cheney syndrome. Last evaluated: 2022-09-05. Review status: criteria provided, single submitter. Criteria: Invitae Variant Classification Sherloc (09022015). Collection method: clinical testing. Allele origin: germline.
Comment: This sequence change affects codon 1464 of the NOTCH2 mRNA. It is a 'silent' change, meaning that it does not change the encoded amino acid sequence of the NOTCH2 protein. This variant is not present in population databases (gnomAD no frequency). This variant has not been reported in the literature in individuals affected with NOTCH2-related conditions. Algorithms developed to predict the effect of sequence changes on RNA splicing suggest that this variant may create or strengthen a splice site. In summary, the available evidence is currently insufficient to determine the role of this variant in disease. Therefore, it has been classified as a Variant of Uncertain Significance.

NM_024408.4(NOTCH2):c.4392C>T (p.Ala1464=)

Gene: NOTCH2 (notch receptor 2; minus strand). Cytogenetic location: 1p12.
Variant type: single nucleotide variant.
Coding change: c.4392C>T on transcript NM_024408.4 (MANE Select); coding-DNA position 4392, C replaced by T.
Protein change: p.Ala1464=; no amino-acid change (alanine 1464 retained).
Molecular consequence: synonymous variant.
Genome position (GRCh38, 1-based): chr1:119,925,424, G>A on the plus strand (C>T on the coding strand, the complement: NOTCH2 is on the minus strand). VCF-style: chr1-119925424-G-A. GRCh37 (hg19) VCF-style: chr1-120468047-G-A.
Identifiers: ClinVar variation 2029090 (VCV002029090.4), dbSNP rs2526147040, ClinGen allele CA420190778.